The following is an entry in ClinVar:

NM_000091.5(COL4A3):c.371G>T (p.Gly124Val)

Genes: COL4A3 (collagen type IV alpha 3 chain; plus strand), MFF-DT (MFF divergent transcript; minus strand). Cytogenetic location: 2q36.3.
Variant type: single nucleotide variant.
Coding change: c.371G>T on transcript NM_000091.5 (MANE Select); coding-DNA position 371, G replaced by T.
Protein change: p.Gly124Val; replaces glycine 124 with valine.
Molecular consequence: missense variant.
Genome position (GRCh38, 1-based): chr2:227,246,000, G>T. VCF-style: chr2-227246000-G-T. GRCh37 (hg19) VCF-style: chr2-228110716-G-T.
Other names: short protein forms G124V.
Identifiers: ClinVar variation 848926 (VCV000848926.9), dbSNP rs748188535, ClinGen allele CA350861704.
Genomic context (GRCh38, chr2:227,246,000, plus strand): 5'-TGTTCTTCTTCCAGGGCACCCCAGGCAATACCGGGCCTTACGGACTTGTCGGTGTACCAG[G>T]ATGCAGTGGTTCTAAGGTAAGTACTTTTCACACAGAAGATGATTAATAAATGCTTTGCTG-3'
Protein context (NP_000082.2, residues 114-134): TGPYGLVGVP[Gly124Val]CSGSKGEQGF

ClinVar aggregate classification (germline): Uncertain significance (1 of 4 stars; one submission).

Submission:

Labcorp Genetics (formerly Invitae), Labcorp
Classification: Uncertain significance. Last evaluated: 2022-06-20. Review status: criteria provided, single submitter. Criteria: Invitae Variant Classification Sherloc (09022015). Collection method: clinical testing. Allele origin: germline.
Comment: This sequence change replaces glycine, which is neutral and non-polar, with valine, which is neutral and non-polar, at codon 124 of the COL4A3 protein (p.Gly124Val). This variant is not present in population databases (gnomAD no frequency). This variant has not been reported in the literature in individuals affected with COL4A3-related conditions. ClinVar contains an entry for this variant (Variation ID: 848926). Advanced modeling of protein sequence and biophysical properties (such as structural, functional, and spatial information, amino acid conservation, physicochemical variation, residue mobility, and thermodynamic stability) performed at Invitae indicates that this missense variant is expected to disrupt COL4A3 protein function. Algorithms developed to predict the effect of sequence changes on RNA splicing suggest that this variant may create or strengthen a splice site. In summary, the available evidence is currently insufficient to determine the role of this variant in disease. Therefore, it has been classified as a Variant of Uncertain Significance.